The following is an entry in ClinVar:

NM_003660.4(PPFIA3):c.1224GAA[1] (p.Lys409del)

Gene: PPFIA3 (PPFI scaffold protein A3; plus strand). Cytogenetic location: 19q13.33.
Variant type: Microsatellite.
Coding change: c.1224GAA[1] on transcript NM_003660.4 (MANE Select); one copy of the 3-base unit GAA starting at c.1224; the reference has two copies in a row; one copy, 3 bases deleted.
Protein change: p.Lys409del; deletes lysine 409.
Molecular consequence: non-coding transcript variant (on NR_103842.2).
Genome position (GRCh38, 1-based): chr19:49,133,861-49,133,863, GAA deleted; deleting any 3 consecutive bases within chr19:49,133,857-49,133,863 gives the same sequence; the position shown is the placement nearest the transcript's 3' end. VCF-style (leftmost placement, unchanged base first): chr19-49133856-GAGA-G. GRCh37 (hg19) VCF-style: chr19-49637113-GAGA-G.
Other names: short protein forms K409del.
Identifiers: ClinVar variation 3366103 (VCV003366103.2).
Genomic context (GRCh38, chr19:49,133,856, plus strand): 5'-GCCGAGGAACGTCATGGGAATTTTGAGGAGCGGCTTCGGCAGCTGGAGGCCCAGCTGGAA[GAGA>G]AGAATCAAGAGCTGCAGCGGGTGAGGGGGCGGAAGACTGCACAGAGGGTGGGGCTTCGAG-3'

ClinVar aggregate classification (germline): Uncertain significance (1 of 4 stars; one submission).

Submission:

GeneDx
Classification: Uncertain significance. Last evaluated: 2025-07-19. Review status: criteria provided, single submitter. Criteria: GeneDx Variant Classification Process June 2021. Collection method: clinical testing. Allele origin: germline.
Comment: Not observed at significant frequency in large population cohorts (gnomAD); In-frame deletion of 1 amino acid in a non-repeat region; In silico analysis supports a deleterious effect on protein structure/function; Has not been previously published as pathogenic or benign to our knowledge